The following is an entry in ClinVar:

ClinVar aggregate classification (germline): Uncertain significance (1 of 4 stars; one submission).

Allele frequency attached by ClinVar (database versions not stated): gnomAD 0.00001; gnomAD exomes below 0.00001.
gnomAD v4.1: 2 of 1,605,848 alleles (0.00012%); highest among the groups gnomAD compares: Non-Finnish European, 0.00017%; no homozygotes.

Submission:

Labcorp Genetics (formerly Invitae), Labcorp
Classification: Uncertain significance. Last evaluated: 2025-05-08. Review status: criteria provided, single submitter. Criteria: Invitae Variant Classification Sherloc (09022015). Collection method: clinical testing. Allele origin: germline.
Comment: This sequence change replaces aspartic acid, which is acidic and polar, with glycine, which is neutral and non-polar, at codon 61 of the RASA2 protein (p.Asp61Gly). This variant is not present in population databases (gnomAD no frequency). This variant has not been reported in the literature in individuals affected with RASA2-related conditions. ClinVar contains an entry for this variant (Variation ID: 1989380). Invitae Evidence Modeling of protein sequence and biophysical properties (such as structural, functional, and spatial information, amino acid conservation, physicochemical variation, residue mobility, and thermodynamic stability) has been performed for this missense variant. However, the output from this modeling did not meet the statistical confidence thresholds required to predict the impact of this variant on RASA2 protein function. In summary, the available evidence is currently insufficient to determine the role of this variant in disease. Therefore, it has been classified as a Variant of Uncertain Significance.

NM_006506.5(RASA2):c.182A>G (p.Asp61Gly)

Gene: RASA2 (RAS p21 protein activator 2; plus strand). Cytogenetic location: 3q23.
Variant type: single nucleotide variant.
Coding change: c.182A>G on transcript NM_006506.5 (MANE Select); coding-DNA position 182, A replaced by G.
Protein change: p.Asp61Gly; replaces aspartic acid 61 with glycine.
Molecular consequence: missense variant.
Genome position (GRCh38, 1-based): chr3:141,512,211, A>G. VCF-style: chr3-141512211-A-G. GRCh37 (hg19) VCF-style: chr3-141231053-A-G.
Other names: c.182A>G, p.Asp61Gly (NM_001303245.3, NM_001303246.3); short protein forms D61G.
Identifiers: ClinVar variation 1989380 (VCV001989380.4), dbSNP rs2081962202, ClinGen allele CA354779323.